The following is an entry in ClinVar:

ClinVar aggregate classification (germline): Likely pathogenic (1 of 4 stars; one submission).

Submission:

GeneDx
Classification: Likely pathogenic. Last evaluated: 2014-09-03. Review status: criteria provided, single submitter. Criteria: GeneDx Variant Classification (06012015). Collection method: clinical testing. Allele origin: germline. Affected: yes.
Comment: c.1360_1362delATTinsGA: p.Ile454AspfsX11 (I454DfsX11) in exon 5 of the YARS2 gene (NM_001040436.2). The sequence shown with the inserted bases in braces and the bases that are deleted in braces is: ACAT{delATT}{insGA}CTCA. The c.1360_1362delATTinsGA variant has not been published as a mutation, nor has it been reported as a benign polymorphism to our knowledge. The c.1360_1362delATTinsGA variant (likely mutation) in the YARS2 gene causes a frameshift starting with codon Isoleucine 454, changes this amino acid to an Aspartic acid residue and creates a premature Stop codon at position 11 of the new reading frame, denoted p.Ile454AspfsX11. This variant occurs at a highly conserved position and is predicted to cause loss of normal protein function through protein truncation. However, this region of the protein is not a part of a known functional or structural domain. This variant is a strong candidate for a pathogenic mutation, however the possibility that it is a benign variant cannot be excluded. The variant is found in MITONUC-MITOP panel(s).

NM_001040436.3(YARS2):c.1360_1362delinsGA (p.Ile454fs)

Gene: YARS2 (tyrosyl-tRNA synthetase 2; minus strand). Cytogenetic location: 12p11.21.
Variant type: Indel.
Coding change: c.1360_1362delinsGA on transcript NM_001040436.3 (MANE Select); coding-DNA positions 1360 to 1362, ATT replaced by GA.
Protein change: p.Ile454fs; shifts the reading frame from isoleucine 454.
Molecular consequence: frameshift variant.
Genome position (GRCh38, 1-based): chr12:32,747,276-32,747,278, AAT replaced by TC on the plus strand (ATT replaced by GA on the coding strand, the reverse complement: YARS2 is on the minus strand). VCF-style: chr12-32747276-AAT-TC. GRCh37 (hg19) VCF-style: chr12-32900210-AAT-TC.
Other names: short protein forms I454fs.
Identifiers: ClinVar variation 215426 (VCV000215426.1), dbSNP rs863224273, ClinGen allele CA324305.
Genomic context (GRCh38, chr12:32,747,276, plus strand): 5'-CCATTTTATAATGTAGAAATTTCTTTTTCCTATTTTAAGTAAGGAAAGTCCATTCTTGAG[AAT>TC]ATGTTGTCCAACAATTAAAACACTCTCAGGATTTGTTACTTGTTGGTGATTTATGCTGAC-3'